The following is an entry in ClinVar:

NM_001042492.3(NF1):c.4546G>A (p.Glu1516Lys)

Gene: NF1 (neurofibromin 1; plus strand). Cytogenetic location: 17q11.2.
Variant type: single nucleotide variant.
Coding change: c.4546G>A on transcript NM_001042492.3 (MANE Select); coding-DNA position 4546, G replaced by A.
Protein change: p.Glu1516Lys; replaces glutamic acid 1516 with lysine.
Molecular consequence: missense variant.
Genome position (GRCh38, 1-based): chr17:31,260,484, G>A. VCF-style: chr17-31260484-G-A. GRCh37 (hg19) VCF-style: chr17-29587502-G-A.
Other names: c.4483G>A, p.Glu1495Lys (NM_000267.4); short protein forms E1516K, E1495K.
Identifiers: ClinVar variation 1740922 (VCV001740922.4), dbSNP rs786203390, ClinGen allele CA398999807.

ClinVar aggregate classification (germline): Uncertain significance. Review status: criteria provided, multiple submitters, no conflicts (2 of 4 stars). 2 submissions from 2 submitters: Uncertain significance (2). Last evaluated 2026-03-01.

Conditions:
Cardiovascular phenotype. Identifiers: MedGen CN230736.
Hereditary cancer-predisposing syndrome. Also called: Hereditary neoplastic syndrome; Tumor predisposition; Neoplastic Syndromes, Hereditary; Hereditary Cancer Syndrome. Identifiers: Orphanet 140162, MedGen C0027672, MeSH D009386, MONDO:0015356.

Submissions (2):

CeGaT Center for Human Genetics Tuebingen
Classification: Uncertain significance. Last evaluated: 2026-03-01. Review status: criteria provided, single submitter. Criteria: CeGaT Center For Human Genetics Tuebingen Variant Classification Criteria Version 2. Collection method: clinical testing. Allele origin: germline. Affected: yes. Observed: 1 variant allele.
Comment: NF1: PM2, PP2, PP3

Ambry Genetics
Classification: Uncertain significance for Cardiovascular phenotype; Hereditary cancer-predisposing syndrome. Last evaluated: 2017-07-13. Review status: criteria provided, single submitter. Criteria: Ambry Variant Classification Scheme 2023. Collection method: clinical testing. Allele origin: germline.
Comment: The p.E1495K variant (also known as c.4483G>A), located in coding exon 33 of the NF1 gene, results from a G to A substitution at nucleotide position 4483. The glutamic acid at codon 1495 is replaced by lysine, an amino acid with similar properties. This amino acid position is highly conserved in available vertebrate species. In addition, this alteration is predicted to be deleterious by in silico analysis. Since supporting evidence is limited at this time, the clinical significance of this alteration remains unclear.